The following is an entry in ClinVar:

ClinVar aggregate classification (germline): Conflicting classifications of pathogenicity. Review status: criteria provided, conflicting classifications (1 of 4 stars). 9 submissions from 7 submitters: Uncertain significance (6); Benign (2); Likely benign (1). Last evaluated 2025-03-25.

Conditions:
Osteogenesis imperfecta type I (OI1). Also called: Osteogenesis imperfecta type 1; Lobstein's Disease; OI, TYPE I; OSTEOGENESIS IMPERFECTA TARDA; OSTEOGENESIS IMPERFECTA WITH BLUE SCLERAE; Lobstein disease. Identifiers: Orphanet 216796, Orphanet 666, MedGen C0023931, MONDO:0008146, OMIM 166200. Disease mechanism: loss of function.
Osteogenesis imperfecta (OI). Identifiers: Orphanet 666, MedGen C0029434, MeSH D010013, MONDO:0019019.
Infantile cortical hyperostosis. Also called: Caffey Disease; P1PK BLOOD GROUP SYSTEM, P(2) PHENOTYPE; Hyperostosis, Cortical, Congenital. Identifiers: Orphanet 1310, MedGen C0020497, MONDO:0007244, OMIM 114000.
Ehlers-Danlos syndrome (EDS). Identifiers: Orphanet 98249, MedGen C0013720, MONDO:0020066.
Ehlers-Danlos syndrome, arthrochalasia type. Also called: Ehlers-Danlos syndrome, arthrochalasia type, 1; ARTHROCHALASIS MULTIPLEX CONGENITA; EDS VII, MUTANT PROCOLLAGEN TYPE; Ehlers-Danlos syndrome, arthrochalasis type; EDS VIIA. Identifiers: Orphanet 1899, Orphanet 99875, Orphanet 99876, MedGen C4551623, MONDO:0007525, OMIM 130060.
Cardiovascular phenotype. Identifiers: MedGen CN230736.

Allele frequency attached by ClinVar (database versions not stated): TOPMed 0.00002; gnomAD exomes 0.00004; ExAC 0.00006; ESP Exome Variant Server 0.00008.
gnomAD v4.1: 59 of 1,613,520 alleles (0.0037%); highest among the groups gnomAD compares: South Asian, 0.019%; no homozygotes.

Submissions (9):

GeneDx
Classification: Uncertain significance. Last evaluated: 2025-03-25. Review status: criteria provided, single submitter. Criteria: GeneDx Variant Classification Process June 2021. Collection method: clinical testing. Allele origin: germline.
Comment: In silico analysis supports that this missense variant has a deleterious effect on protein structure/function; Has not been previously published as pathogenic or benign to our knowledge; Not located in the triple helical region, where the majority of pathogenic missense variants occur (HGMD)

Labcorp Genetics (formerly Invitae), Labcorp
Classification: Benign for Osteogenesis imperfecta type I. Last evaluated: 2025-03-12. Review status: criteria provided, single submitter. Criteria: Invitae Variant Classification Sherloc (09022015). Collection method: clinical testing. Allele origin: germline.

Women's Health and Genetics/Laboratory Corporation of America, LabCorp
Classification: Likely benign. Last evaluated: 2025-02-19. Review status: criteria provided, single submitter. Criteria: LabCorp Variant Classification Summary - May 2015. Collection method: clinical testing. Allele origin: germline.
Comment: Variant summary: COL1A1 c.3755G>A (p.Arg1252His) results in a non-conservative amino acid change in the encoded protein sequence. Five of five in-silico tools predict a damaging effect of the variant on protein function. The variant allele was found at a frequency of 4.4e-05 in 250618 control chromosomes. The observed variant frequency is approximately 1.56 fold of the estimated maximal expected allele frequency for a pathogenic variant in COL1A1 causing Osteogenesis Imperfecta/Ehlers-Danlos Syndrome phenotype (2.8e-05). c.3755G>A has been reported in the presumed heterozygous state in complex with a large rearrangment across other collagen genes in the literature in at least 1 individual affected with clinical features of vascular Ehlers-Danlos Syndrome, without strong evidence for causality (example, Weerakkody_2016). These report(s) do not provide unequivocal conclusions about association of the variant with COL1A1-related conditions. To our knowledge, no experimental evidence demonstrating an impact on protein function has been reported. ClinVar contains an entry for this variant (Variation ID: 891837). Based on the evidence outlined above, the variant was classified as likely benign.

Ambry Genetics
Classification: Uncertain significance for Cardiovascular phenotype. Last evaluated: 2023-08-07. Review status: criteria provided, single submitter. Criteria: Ambry Variant Classification Scheme 2023. Collection method: clinical testing. Allele origin: germline.
Comment: The p.R1252H variant (also known as c.3755G>A), located in coding exon 48 of the COL1A1 gene, results from a G to A substitution at nucleotide position 3755. The arginine at codon 1252 is replaced by histidine, an amino acid with highly similar properties. In one study, this variant co-occurred with a complex rearrangement reportedly resulting in complete allelic loss of COL3A1 and COL5A2 in an individual with suspected vascular Ehlers-Danlos syndrome (Weerakkody RA et al. Genet. Med., 2016 11;18:1119-1127). This amino acid position is not well conserved in available vertebrate species. In addition, the in silico prediction for this alteration is inconclusive. Since supporting evidence is limited at this time, the clinical significance of this alteration remains unclear.

Blueprint Genetics
Classification: Uncertain significance. Last evaluated: 2022-04-05. Review status: criteria provided, single submitter. Criteria: ACMG Guidelines, 2015. Collection method: clinical testing. Allele origin: germline.

Genome Diagnostics Laboratory, The Hospital for Sick Children
Classification: Uncertain significance for Ehlers-Danlos syndrome. Last evaluated: 2021-08-10. Review status: criteria provided, single submitter. Criteria: ACMG Guidelines, 2015. Collection method: clinical testing. Allele origin: germline.

Illumina Laboratory Services, Illumina
Classification: Benign for Ehlers-Danlos syndrome, arthrochalasia type. Last evaluated: 2017-05-22. Review status: criteria provided, single submitter. Criteria: ICSL Variant Classification Criteria 13 December 2019. Collection method: clinical testing. Allele origin: germline.
Comment: This variant was observed as part of a predisposition screen in an ostensibly healthy population. A literature search was performed for the gene, cDNA change, and amino acid change (where applicable). No publications were found based on this search. Allele frequency data from public databases was too high to be consistent with this variant causing disease. Therefore, this variant is classified as benign.

Illumina Laboratory Services, Illumina
Classification: Uncertain significance for Osteogenesis imperfecta. Last evaluated: 2017-04-27. Review status: criteria provided, single submitter. Criteria: ICSL Variant Classification Criteria 13 December 2019. Collection method: clinical testing. Allele origin: germline.

Illumina Laboratory Services, Illumina
Classification: Uncertain significance for Infantile cortical hyperostosis. Last evaluated: 2017-04-27. Review status: criteria provided, single submitter. Criteria: ICSL Variant Classification Criteria 13 December 2019. Collection method: clinical testing. Allele origin: germline.

Literature cited by the submitters: PubMed 27011056 (cited by Women's Health and Genetics/Laboratory Corporation of America, LabCorp and Ambry Genetics); PubMed 26566670 (cited by Women's Health and Genetics/Laboratory Corporation of America, LabCorp).

NM_000088.4(COL1A1):c.3755G>A (p.Arg1252His)

Gene: COL1A1 (collagen type I alpha 1 chain; minus strand). Cytogenetic location: 17q21.33.
Variant type: single nucleotide variant.
Coding change: c.3755G>A on transcript NM_000088.4 (MANE Select); coding-DNA position 3755, G replaced by A.
Protein change: p.Arg1252His; replaces arginine 1252 with histidine.
Molecular consequence: missense variant.
Genome position (GRCh38, 1-based): chr17:50,186,699, C>T on the plus strand (G>A on the coding strand, the complement: COL1A1 is on the minus strand). VCF-style: chr17-50186699-C-T. GRCh37 (hg19) VCF-style: chr17-48264060-C-T.
Other names: short protein forms R1252H.
Identifiers: ClinVar variation 891837 (VCV000891837.20), dbSNP rs371904584, ClinGen allele CA8644363.